The following is an entry in ClinVar:

ClinVar aggregate classification (germline): Pathogenic (1 of 4 stars; one submission).

Allele frequency attached by ClinVar (database versions not stated): TOPMed below 0.00001.

Submission:

GeneDx
Classification: Pathogenic. Last evaluated: 2015-08-28. Review status: criteria provided, single submitter. Criteria: GeneDx Variant Classification (06012015). Collection method: clinical testing. Allele origin: germline. Affected: yes.
Comment: The W671X variant has not been reported previously in the literature as a pathogenic variant or as a benign polymorphism. It is predicted to cause loss of normal protein function either through protein truncation or nonsense-mediated mRNA decay. Therefore, we interpret W671X as a pathogenic variant.

NM_000211.5(ITGB2):c.2013G>A (p.Trp671Ter)

Gene: ITGB2 (integrin subunit beta 2; minus strand). Cytogenetic location: 21q22.3.
Variant type: single nucleotide variant.
Coding change: c.2013G>A on transcript NM_000211.5 (MANE Select); coding-DNA position 2013, G replaced by A.
Protein change: p.Trp671Ter; replaces tryptophan 671 with a stop codon.
Molecular consequence: nonsense.
Genome position (GRCh38, 1-based): chr21:44,888,760, C>T on the plus strand (G>A on the coding strand, the complement: ITGB2 is on the minus strand). VCF-style: chr21-44888760-C-T. GRCh37 (hg19) VCF-style: chr21-46308675-C-T.
Other names: c.2013G>A (LRG_76t1); c.2013G>A, p.Trp671Ter (NM_001127491.3); c.1806G>A, p.Trp602Ter (NM_001303238.2); short protein forms W671*, W602*.
Identifiers: ClinVar variation 419640 (VCV000419640.2), dbSNP rs942375725, ClinGen allele CA16621022.